The following is an entry in ClinVar:

NM_016203.4(PRKAG2):c.*384C>T

Gene: PRKAG2 (protein kinase AMP-activated non-catalytic subunit gamma 2; minus strand). Cytogenetic location: 7q36.1.
Variant type: single nucleotide variant.
Coding change: c.*384C>T on transcript NM_016203.4 (MANE Select); 384 bases downstream of the stop codon, C replaced by T.
Molecular consequence: 3 prime UTR variant.
Genome position (GRCh38, 1-based): chr7:151,556,817, G>A on the plus strand (C>T on the coding strand, the complement: PRKAG2 is on the minus strand). VCF-style: chr7-151556817-G-A. GRCh37 (hg19) VCF-style: chr7-151253903-G-A.
Other names: c.*384C>T (NM_001040633.2, NM_001304527.2, NM_001304531.2 and 2 more transcripts).
Identifiers: ClinVar variation 359337 (VCV000359337.8), dbSNP rs75418446, ClinGen allele CA10628575.

ClinVar aggregate classification (germline): Benign/Likely benign. Review status: criteria provided, multiple submitters, no conflicts (2 of 4 stars). 4 submissions from 3 submitters: Benign (1); Likely benign (3). Last evaluated 2018-01-12.

Conditions:
Hypertrophic cardiomyopathy 6. Identifiers: MedGen C1833236, MONDO:0010946, OMIM 600858.
Wolff-Parkinson-White pattern. Also called: WPW SYNDROME; Auriculoventricular accessory pathway syndrome; False bundle branch block syndrome; Anomalous ventricular excitation syndrome. Identifiers: MedGen C0043202, MONDO:0008685, OMIM 194200, HP:0001716.

Allele frequency attached by ClinVar (database versions not stated): gnomAD exomes 0.00075; gnomAD 0.00790 and 0.00847; TOPMed 0.00889; 1000 Genomes Project 0.00958; 1000 Genomes Project 30x 0.01015.
gnomAD v4.1: 1,239 of 210,204 alleles (0.59%); highest among the groups gnomAD compares: African/African-American, 2.7%; 20 homozygotes.

Submissions (4):

Illumina Laboratory Services, Illumina
Classification: Likely benign for Hypertrophic cardiomyopathy 6. Last evaluated: 2018-01-12. Review status: criteria provided, single submitter. Criteria: ICSL Variant Classification Criteria 13 December 2019. Collection method: clinical testing. Allele origin: germline.
Comment: This variant was observed in the ICSL laboratory as part of a predisposition screen in an ostensibly healthy population. It had not been previously curated by ICSL or reported in the Human Gene Mutation Database (HGMD: prior to June 1st, 2018), and was therefore a candidate for classification through an automated scoring system. Utilizing variant allele frequency, disease prevalence and penetrance estimates, and inheritance mode, an automated score was calculated to assess if this variant is too frequent to cause the disease. Based on the score and internal cut-off values, a variant classified as likely benign is not then subjected to further curation. The score for this variant resulted in a classification of likely benign for this disease.

Illumina Laboratory Services, Illumina
Classification: Likely benign for Wolff-Parkinson-White pattern. Last evaluated: 2018-01-12. Review status: criteria provided, single submitter. Criteria: ICSL Variant Classification Criteria 13 December 2019. Collection method: clinical testing. Allele origin: germline.
Comment: the same text as in the submission from Illumina Laboratory Services, Illumina above.

GeneDx
Classification: Benign. Last evaluated: 2015-03-03. Review status: criteria provided, single submitter. Criteria: GeneDx Variant Classification Process June 2021. Collection method: clinical testing. Allele origin: germline. Affected: yes.

Breakthrough Genomics
Classification: Likely benign. Review status: criteria provided, single submitter. Criteria: ACMG Guidelines, 2015. Collection method: not provided. Allele origin: germline. Inheritance: Autosomal dominant inheritance. Affected: yes.